The following is an entry in ClinVar:

NM_014000.3(VCL):c.1290C>T (p.Asp430=)

Gene: VCL (vinculin; plus strand). Cytogenetic location: 10q22.2.
Variant type: single nucleotide variant.
Coding change: c.1290C>T on transcript NM_014000.3 (MANE Select); coding-DNA position 1290, C replaced by T.
Protein change: p.Asp430=; no amino-acid change (aspartic acid 430 retained).
Molecular consequence: synonymous variant.
Genome position (GRCh38, 1-based): chr10:74,090,136, C>T. VCF-style: chr10-74090136-C-T. GRCh37 (hg19) VCF-style: chr10-75849894-C-T.
Other names: p.D430D:GAC>GAT; c.1290C>T, p.Asp430= (NM_003373.4).
Identifiers: ClinVar variation 137902 (VCV000137902.27), dbSNP rs576271894, ClinGen allele CA185490.

ClinVar aggregate classification (germline): Conflicting classifications of pathogenicity. Review status: criteria provided, conflicting classifications (1 of 4 stars). 9 submissions from 9 submitters: Uncertain significance (1); Benign (4); Likely benign (4). Last evaluated 2026-09-21.

Conditions:
Cardiovascular phenotype. Identifiers: MedGen CN230736.
Cardiomyopathy (CMYO). Also called: Cardiomyopathies. Identifiers: Orphanet 167848, MedGen C0878544, MONDO:0004994, HP:0001638. Inheritance: Various modes of inheritance.
Dilated cardiomyopathy 1W (CMD1W). Identifiers: Orphanet 154, MedGen C1969639, MONDO:0012667, OMIM 611407.

Allele frequency attached by ClinVar (database versions not stated): gnomAD exomes 0.00005 and 0.00029; 1000 Genomes Project 0.00020; 1000 Genomes Project 30x 0.00016; gnomAD 0.00009; ExAC 0.00019; TOPMed 0.00020.
gnomAD v4.1: 138 of 1,614,164 alleles (0.0085%); highest among the groups gnomAD compares: East Asian, 0.17%; 3 homozygotes.

Submissions (9):

Molecular Diagnostic Laboratory for Inherited Cardiovascular Disease, Montreal Heart Institute
Classification: Likely benign. Last evaluated: 2026-09-21. Review status: criteria provided, single submitter. Criteria: ACMG Guidelines, 2015. Collection method: clinical testing. Allele origin: germline. Affected: no.
Comment: BS1;BP7

Labcorp Genetics (formerly Invitae), Labcorp
Classification: Benign for Dilated cardiomyopathy 1W. Last evaluated: 2026-02-03. Review status: criteria provided, single submitter. Criteria: Invitae Variant Classification Sherloc (09022015). Collection method: clinical testing. Allele origin: germline.

Blueprint Genetics
Classification: Likely benign. Last evaluated: 2024-11-20. Review status: criteria provided, single submitter. Criteria: ACMG Guidelines, 2015. Collection method: clinical testing. Allele origin: germline.

Women's Health and Genetics/Laboratory Corporation of America, LabCorp
Classification: Benign. Last evaluated: 2019-11-02. Review status: criteria provided, single submitter. Criteria: LabCorp Variant Classification Summary - May 2015. Collection method: clinical testing. Allele origin: germline.

Illumina Laboratory Services, Illumina
Classification: Uncertain significance for Dilated cardiomyopathy 1W. Last evaluated: 2018-01-13. Review status: criteria provided, single submitter. Criteria: ICSL Variant Classification Criteria 13 December 2019. Collection method: clinical testing. Allele origin: germline.

CHEO Genetics Diagnostic Laboratory, Children's Hospital of Eastern Ontario
Classification: Benign for Cardiomyopathy. Last evaluated: 2017-11-28. Review status: criteria provided, single submitter. Criteria: ACMG Guidelines, 2015. Collection method: clinical testing. Allele origin: germline.

Ambry Genetics
Classification: Likely benign for Cardiovascular phenotype. Last evaluated: 2016-11-30. Review status: criteria provided, single submitter. Criteria: Ambry Variant Classification Scheme 2023. Collection method: clinical testing. Allele origin: germline.

Laboratory for Molecular Medicine, Mass General Brigham Personalized Medicine
Classification: Likely benign. Last evaluated: 2014-08-15. Review status: criteria provided, single submitter. Criteria: LMM Criteria. Collection method: clinical testing. Allele origin: germline. Observed: 1 variant allele.
Comment: Asp430Asp in exon 10 of VCL: This variant is not expected to have clinical signi ficance because it does not alter an amino acid residue and is not located withi n the splice consensus sequence.

GeneDx
Classification: Benign. Last evaluated: 2014-05-09. Review status: criteria provided, single submitter. Criteria: GeneDx Variant Classification (06012015). Collection method: clinical testing. Allele origin: germline. Affected: yes.
Comment: This variant is considered likely benign or benign based on one or more of the following criteria: it is a conservative change, it occurs at a poorly conserved position in the protein, it is predicted to be benign by multiple in silico algorithms, and/or has population frequency not consistent with disease.